The following is an entry in ClinVar:

NM_003872.3(NRP2):c.2036C>T (p.Thr679Met)

Genes: NRP2 (neuropilin 2; plus strand), LOC126806481 (CDK7 strongly-dependent group 2 enhancer GRCh37_chr2:206617009-206618208; plus strand). Cytogenetic location: 2q33.3.
Variant type: single nucleotide variant.
Coding change: c.2036C>T on transcript NM_003872.3 (MANE Select); coding-DNA position 2036, C replaced by T.
Protein change: p.Thr679Met; replaces threonine 679 with methionine.
Molecular consequence: missense variant.
Genome position (GRCh38, 1-based): chr2:205,752,967, C>T. VCF-style: chr2-205752967-C-T. GRCh37 (hg19) VCF-style: chr2-206617691-C-T.
Other names: c.2036C>T, p.Thr679Met (NM_018534.4, NM_201266.2, NM_201267.2 and 1 more transcripts); short protein forms T679M.
Identifiers: ClinVar variation 3350753 (VCV003350753.2).

ClinVar aggregate classification (germline): Uncertain significance (1 of 4 stars; one submission).

Conditions:
NRP2-related disorder. Also called: NRP2-related condition.

gnomAD v4.1: 19 of 1,613,324 alleles (0.0012%); highest among the groups gnomAD compares: South Asian, 0.0066%; no homozygotes.

Submission:

PreventionGenetics, part of Exact Sciences
Classification: Uncertain significance for NRP2-related condition. Last evaluated: 2026-02-27. Review status: criteria provided, single submitter. Criteria: ACMG Guidelines, 2015. Collection method: clinical testing. Allele origin: germline.
Comment: The NRP2 c.2036C>T variant is predicted to result in the amino acid substitution p.Thr679Met. To our knowledge, this variant has not been reported in the literature. This variant is reported in 0.0065% of alleles in individuals of South Asian descent in gnomAD. At this time, the clinical significance of this variant is uncertain due to the absence of conclusive functional and genetic evidence.